The following is an entry in ClinVar:

ClinVar aggregate classification (germline): Likely pathogenic (1 of 4 stars; one submission).

Conditions:
Curry-Hall syndrome (WAD). Also called: WEYERS ACRODENTAL DYSOSTOSIS. Identifiers: Orphanet 952, MedGen C0457013, MONDO:0008673, OMIM 193530.
Ellis-van Creveld syndrome (EVC). Also called: EVC-Related Ellis-van Creveld Syndrome; EVC2-Related Ellis-van Creveld Syndrome; MESOECTODERMAL DYSPLASIA; Chondroectodermal dysplasia. Identifiers: Orphanet 289, MedGen C0013903, MONDO:0009162, OMIM 225500.

Allele frequency attached by ClinVar (database versions not stated): gnomAD exomes below 0.00001.
gnomAD v4.1: 3 of 1,614,196 alleles (0.00019%); highest among the groups gnomAD compares: Non-Finnish European, 0.00017%; no homozygotes.

Submission:

Labcorp Genetics (formerly Invitae), Labcorp
Classification: Likely pathogenic for Curry-Hall syndrome; Ellis-van Creveld syndrome. Last evaluated: 2022-11-28. Review status: criteria provided, single submitter. Criteria: Invitae Variant Classification Sherloc (09022015). Collection method: clinical testing. Allele origin: germline.
Comment: This sequence change affects an acceptor splice site in intron 6 of the EVC2 gene. It is expected to disrupt RNA splicing. Variants that disrupt the donor or acceptor splice site typically lead to a loss of protein function (PMID: 16199547), and loss-of-function variants in EVC2 are known to be pathogenic (PMID: 17024374, 19810119, 19876929). This variant is not present in population databases (gnomAD no frequency). This variant has not been reported in the literature in individuals affected with EVC2-related conditions. Algorithms developed to predict the effect of sequence changes on RNA splicing suggest that this variant may disrupt the consensus splice site. In summary, the currently available evidence indicates that the variant is pathogenic, but additional data are needed to prove that conclusively. Therefore, this variant has been classified as Likely Pathogenic.

Literature cited by the submitters: PubMed 16199547; PubMed 17024374; PubMed 19810119; PubMed 19876929.

NM_147127.5(EVC2):c.817-1G>T

Gene: EVC2 (EvC ciliary complex subunit 2; minus strand). Cytogenetic location: 4p16.2.
Variant type: single nucleotide variant.
Coding change: c.817-1G>T on transcript NM_147127.5 (MANE Select); the canonical splice acceptor site of the intron before coding-DNA position 817, G replaced by T.
Molecular consequence: splice acceptor variant.
Genome position (GRCh38, 1-based): chr4:5,681,314, C>A on the plus strand (G>T on the coding strand, the complement: EVC2 is on the minus strand). VCF-style: chr4-5681314-C-A. GRCh37 (hg19) VCF-style: chr4-5683041-C-A.
Other names: c.577-1G>T (NM_001166136.2).
Identifiers: ClinVar variation 2941878 (VCV002941878.3), dbSNP rs2475566241, ClinGen allele CA356145825.